The following is an entry in ClinVar:

NM_001368067.1(LDB3):c.772G>A (p.Glu258Lys)

Gene: LDB3 (LIM domain binding 3; plus strand). Cytogenetic location: 10q23.2.
Variant type: single nucleotide variant.
Coding change: c.772G>A on transcript NM_001368067.1 (MANE Plus Clinical); coding-DNA position 772, G replaced by A.
Protein change: p.Glu258Lys; replaces glutamic acid 258 with lysine.
Molecular consequence: missense variant. On other transcripts: intron variant (6).
Genome position (GRCh38, 1-based): chr10:86,699,294, G>A. VCF-style: chr10-86699294-G-A. GRCh37 (hg19) VCF-style: chr10-88459051-G-A.
Other names: c.913G>A, p.Glu305Lys (NM_001080115.2, NM_001368063.1); c.772G>A, p.Glu258Lys (NM_001080116.1, NM_001368068.1); c.1117G>A, p.Glu373Lys (NM_001171611.2); c.896+6723G>A (NM_001368064.1, NM_007078.3, NM_001368065.1); c.1100+6723G>A (NM_001171610.2); c.755+6723G>A (NM_001368066.1, NM_001080114.2); short protein forms E258K, E305K, E373K.
Identifiers: ClinVar variation 429461 (VCV000429461.8), dbSNP rs868365512, ClinGen allele CA211191095.

ClinVar aggregate classification (germline): Uncertain significance. Review status: criteria provided, multiple submitters, no conflicts (2 of 4 stars). 2 submissions from 2 submitters: Uncertain significance (2). Last evaluated 2024-12-23.

Conditions:
Myofibrillar myopathy 4. Also called: Zaspopathy (type). Identifiers: Orphanet 98912, MedGen C4721886, MONDO:0012277, OMIM 609452.

Allele frequency attached by ClinVar (database versions not stated): gnomAD exomes below 0.00001; TOPMed 0.00002.
gnomAD v4.1: 1 of 1,613,316 alleles (0.000062%); highest among the groups gnomAD compares: Non-Finnish European, 0.000085%; no homozygotes.

Submissions (2):

Labcorp Genetics (formerly Invitae), Labcorp
Classification: Uncertain significance for Myofibrillar myopathy 4. Last evaluated: 2024-12-23. Review status: criteria provided, single submitter. Criteria: Invitae Variant Classification Sherloc (09022015). Collection method: clinical testing. Allele origin: germline.
Comment: This sequence change replaces glutamic acid, which is acidic and polar, with lysine, which is basic and polar, at codon 258 of the LDB3 protein (p.Glu258Lys). This variant is present in population databases (no rsID available, gnomAD 0.0009%). This variant has not been reported in the literature in individuals affected with LDB3-related conditions. ClinVar contains an entry for this variant (Variation ID: 429461). An algorithm developed to predict the effect of missense changes on protein structure and function (PolyPhen-2) suggests that this variant is likely to be disruptive. In summary, the available evidence is currently insufficient to determine the role of this variant in disease. Therefore, it has been classified as a Variant of Uncertain Significance.

GeneDx
Classification: Uncertain significance. Last evaluated: 2017-05-09. Review status: criteria provided, single submitter. Criteria: GeneDx Variant Classification (06012015). Collection method: clinical testing. Allele origin: germline. Affected: yes.
Comment: A variant of uncertain significance has been identified in the LDB3 gene. The E305K variant has not been published as pathogenic or been reported as benign to our knowledge. This variant is not observed in large population cohorts (Lek et al., 2016; 1000 Genomes Consortium et al., 2015; Exome Variant Server). The E305K variant is a non-conservative amino acid substitution, which is likely to impact secondary protein structure as these residues differ in polarity, charge, size and/or other properties. Additionally, this substitution occurs at a position that is conserved across species. Furthermore, in silico analysis predicts this variant is probably damaging to the protein structure/function. Nevertheless, the E305K variant occurs in an alternate transcript of the LDB3 gene, and no nearby missense variants in nearby residues have been reported in the Human Gene Mutation Database in association with an LDB3-related disorder (Stenson et al., 2014).